The following is an entry in ClinVar:

ClinVar aggregate classification (germline): Benign/Likely benign. Review status: criteria provided, multiple submitters, no conflicts (2 of 4 stars). 9 submissions from 9 submitters: Benign (2); Likely benign (4). 3 of the submissions do not count toward it. Last evaluated 2026-02-01.

Conditions:
CSF3R-related disorder. Also called: CSF3R-related condition.
Autosomal recessive severe congenital neutropenia due to CSF3R deficiency. Also called: Neutropenia, severe congenital, 7, autosomal recessive. Identifiers: Orphanet 420702, MedGen C4310764, MONDO:0014865, OMIM 617014.

Allele frequency attached by ClinVar (database versions not stated): 1000 Genomes Project 0.00080; 1000 Genomes Project 30x 0.00094; gnomAD exomes 0.00170; ExAC 0.00175; gnomAD 0.00186 and 0.00193; TOPMed 0.00186; ESP Exome Variant Server 0.00261.
gnomAD v4.1: 4,122 of 1,607,150 alleles (0.26%); highest among the groups gnomAD compares: Non-Finnish European, 0.33%; 9 homozygotes.

Submissions (9):

Labcorp Genetics (formerly Invitae), Labcorp
Classification: Benign for Autosomal recessive severe congenital neutropenia due to CSF3R deficiency. Last evaluated: 2026-02-01. Review status: criteria provided, single submitter. Criteria: Invitae Variant Classification Sherloc (09022015). Collection method: clinical testing. Allele origin: germline.

Blueprint Genetics
Classification: Likely benign. Last evaluated: 2024-11-26. Review status: criteria provided, single submitter. Criteria: ACMG Guidelines, 2015. Collection method: clinical testing. Allele origin: germline.

CeGaT Center for Human Genetics Tuebingen
Classification: Likely benign. Last evaluated: 2024-03-01. Review status: criteria provided, single submitter. Criteria: CeGaT Center For Human Genetics Tuebingen Variant Classification Criteria Version 2. Collection method: clinical testing. Allele origin: germline. Affected: yes. Observed: 7 variant alleles.
Comment: CSF3R: BP4, BP7, BS2

Mayo Clinic Laboratories, Mayo Clinic
Classification: Benign. Last evaluated: 2020-07-28. Review status: criteria provided, single submitter. Criteria: ACMG Guidelines, 2015. Collection method: clinical testing. Allele origin: germline. Observed: 5 variant alleles.

Genetic Services Laboratory, University of Chicago
Classification: Likely benign. Last evaluated: 2017-02-24. Review status: criteria provided, single submitter. Criteria: ACMG Guidelines, 2015. Collection method: clinical testing. Allele origin: germline. Affected: no.

Breakthrough Genomics
Classification: Likely benign. Review status: criteria provided, single submitter. Criteria: ACMG Guidelines, 2015. Collection method: not provided. Allele origin: germline. Inheritance: Autosomal recessive inheritance. Affected: yes.

PreventionGenetics, part of Exact Sciences
Classification: Likely benign for CSF3R-related condition. Last evaluated: 2020-02-19. Review status: no assertion criteria provided. Collection method: clinical testing. Allele origin: germline. Not counted in ClinVar's aggregate classification.
Comment: This variant is classified as likely benign based on ACMG/AMP sequence variant interpretation guidelines (Richards et al. 2015 PMID: 25741868, with internal and published modifications).

Clinical Genetics DNA and cytogenetics Diagnostics Lab, Erasmus MC, Erasmus Medical Center
Classification: Likely benign. Review status: no assertion criteria provided. Collection method: clinical testing. Allele origin: germline. Affected: yes. Study: VKGL Data-share Consensus. Not counted in ClinVar's aggregate classification.

Genome Diagnostics Laboratory, University Medical Center Utrecht
Classification: Likely benign. Review status: no assertion criteria provided. Collection method: clinical testing. Allele origin: germline. Affected: yes. Study: VKGL Data-share Consensus. Not counted in ClinVar's aggregate classification.

NM_000760.4(CSF3R):c.108C>T (p.Val36=)

Gene: CSF3R (colony stimulating factor 3 receptor; minus strand). Cytogenetic location: 1p34.3.
Variant type: single nucleotide variant.
Coding change: c.108C>T on transcript NM_000760.4 (MANE Select); coding-DNA position 108, C replaced by T.
Protein change: p.Val36=; no amino-acid change (valine 36 retained).
Molecular consequence: synonymous variant.
Genome position (GRCh38, 1-based): chr1:36,475,630, G>A on the plus strand (C>T on the coding strand, the complement: CSF3R is on the minus strand). VCF-style: chr1-36475630-G-A. GRCh37 (hg19) VCF-style: chr1-36941231-G-A.
Other names: p.Val36=; c.108C>T, p.Val36= (LRG_144t1, NM_156039.3, NM_172313.3).
Identifiers: ClinVar variation 434838 (VCV000434838.60), dbSNP rs3918011, ClinGen allele CA769562.